The following is an entry in ClinVar:

ClinVar aggregate classification (germline): Likely benign. Review status: criteria provided, multiple submitters, no conflicts (2 of 4 stars). 2 submissions from 2 submitters: Likely benign (2). Last evaluated 2026-09-01.

Conditions:
Spermatogenic failure 18. Identifiers: MedGen C4539783, MONDO:0054615, OMIM 617576.
Ciliary dyskinesia, primary, 37 (CILD37). Also called: CILIARY DYSKINESIA, PRIMARY, 37, WITH OR WITHOUT SITUS INVERSUS. Identifiers: MedGen C4539798, MONDO:0033204, OMIM 617577.

Allele frequency attached by ClinVar (database versions not stated): 1000 Genomes Project 0.00020; TOPMed 0.00002; gnomAD 0.00003; gnomAD exomes 0.00003; ExAC 0.00010; 1000 Genomes Project 30x 0.00016.
gnomAD v4.1: 55 of 1,608,972 alleles (0.0034%); highest among the groups gnomAD compares: East Asian, 0.009%; no homozygotes.

Submissions (2):

CeGaT Center for Human Genetics Tuebingen
Classification: Likely benign. Last evaluated: 2026-09-01. Review status: criteria provided, single submitter. Criteria: CeGaT Center For Human Genetics Tuebingen Variant Classification Criteria Version 2. Collection method: clinical testing. Allele origin: germline. Affected: yes. Observed: 1 variant allele.
Comment: DNAH1: BP4, BP7

Labcorp Genetics (formerly Invitae), Labcorp
Classification: Likely benign for Ciliary dyskinesia, primary, 37; Spermatogenic failure 18. Last evaluated: 2025-02-04. Review status: criteria provided, single submitter. Criteria: Invitae Variant Classification Sherloc (09022015). Collection method: clinical testing. Allele origin: germline.

NM_015512.5(DNAH1):c.9894G>A (p.Thr3298=)

Gene: DNAH1 (dynein axonemal heavy chain 1; plus strand). Cytogenetic location: 3p21.1.
Variant type: single nucleotide variant.
Coding change: c.9894G>A on transcript NM_015512.5 (MANE Select); coding-DNA position 9894, G replaced by A.
Protein change: p.Thr3298=; no amino-acid change (threonine 3298 retained).
Molecular consequence: synonymous variant.
Genome position (GRCh38, 1-based): chr3:52,391,445, G>A. VCF-style: chr3-52391445-G-A. GRCh37 (hg19) VCF-style: chr3-52425461-G-A.
Identifiers: ClinVar variation 2062300 (VCV002062300.5), dbSNP rs199974581, ClinGen allele CA2435653.